The following is an entry in ClinVar:

ClinVar aggregate classification (germline): Uncertain significance (1 of 4 stars; one submission).

Allele frequency attached by ClinVar (database versions not stated): gnomAD exomes below 0.00001; TOPMed 0.00001; gnomAD 0.00002.
gnomAD v4.1: 7 of 1,612,992 alleles (0.00043%); highest among the groups gnomAD compares: Admixed American, 0.0033%; no homozygotes.

Submission:

Labcorp Genetics (formerly Invitae), Labcorp
Classification: Uncertain significance. Last evaluated: 2025-08-31. Review status: criteria provided, single submitter. Criteria: Invitae Variant Classification Sherloc (09022015). Collection method: clinical testing. Allele origin: germline.
Comment: This sequence change replaces histidine, which is basic and polar, with arginine, which is basic and polar, at codon 21 of the CLUAP1 protein (p.His21Arg). This variant is not present in population databases (gnomAD no frequency). This variant has not been reported in the literature in individuals affected with CLUAP1-related conditions. ClinVar contains an entry for this variant (Variation ID: 2082412). Invitae Evidence Modeling of protein sequence and biophysical properties (such as structural, functional, and spatial information, amino acid conservation, physicochemical variation, residue mobility, and thermodynamic stability) indicates that this missense variant is not expected to disrupt CLUAP1 protein function with a negative predictive value of 80%. In summary, the available evidence is currently insufficient to determine the role of this variant in disease. Therefore, it has been classified as a Variant of Uncertain Significance.

NM_015041.3(CLUAP1):c.62A>G (p.His21Arg)

Gene: CLUAP1 (clusterin associated protein 1; plus strand). Cytogenetic location: 16p13.3.
Variant type: single nucleotide variant.
Coding change: c.62A>G on transcript NM_015041.3 (MANE Select); coding-DNA position 62, A replaced by G.
Protein change: p.His21Arg; replaces histidine 21 with arginine.
Molecular consequence: missense variant.
Genome position (GRCh38, 1-based): chr16:3,504,759, A>G. VCF-style: chr16-3504759-A-G. GRCh37 (hg19) VCF-style: chr16-3554759-A-G.
Other names: c.62A>G, p.His21Arg (NM_001330454.2); short protein forms H21R.
Identifiers: ClinVar variation 2082412 (VCV002082412.4), dbSNP rs1455191765, ClinGen allele CA394510700.